The following is an entry in ClinVar:

ClinVar aggregate classification (germline): Uncertain significance. Review status: criteria provided, multiple submitters, no conflicts (2 of 4 stars). 3 submissions from 3 submitters: Uncertain significance (3). Last evaluated 2025-11-03.

Conditions:
Autosomal recessive limb-girdle muscular dystrophy type R18 (LGMDR18). Also called: Limb-girdle muscular dystrophy, type 2S; Autosomal recessive limb-girdle muscular dystrophy type 2S; MUSCULAR DYSTROPHY, LIMB-GIRDLE, AUTOSOMAL RECESSIVE 18. Identifiers: Orphanet 369840, MedGen C4517996, MONDO:0014144, OMIM 615356.
Inborn genetic diseases. Identifiers: MedGen C0950123, MeSH D030342.

Allele frequency attached by ClinVar (database versions not stated): gnomAD 0.00001 and 0.00002; gnomAD exomes 0.00001; TOPMed 0.00003; ExAC 0.00001; ESP Exome Variant Server 0.00008.
gnomAD v4.1: 6 of 1,613,832 alleles (0.00037%); highest among the groups gnomAD compares: African/African-American, 0.0013%; no homozygotes.

Submissions (3):

Ambry Genetics
Classification: Uncertain significance for Inborn genetic diseases. Last evaluated: 2025-11-03. Review status: criteria provided, single submitter. Criteria: Ambry Variant Classification Scheme 2023. Collection method: clinical testing. Allele origin: germline.

Labcorp Genetics (formerly Invitae), Labcorp
Classification: Uncertain significance for Autosomal recessive limb-girdle muscular dystrophy type R18. Last evaluated: 2025-03-04. Review status: criteria provided, single submitter. Criteria: Invitae Variant Classification Sherloc (09022015). Collection method: clinical testing. Allele origin: germline.
Comment: This sequence change replaces glutamine, which is neutral and polar, with proline, which is neutral and non-polar, at codon 1074 of the TRAPPC11 protein (p.Gln1074Pro). This variant is present in population databases (rs368699954, gnomAD 0.005%). This variant has not been reported in the literature in individuals affected with TRAPPC11-related conditions. ClinVar contains an entry for this variant (Variation ID: 854418). Invitae Evidence Modeling of protein sequence and biophysical properties (such as structural, functional, and spatial information, amino acid conservation, physicochemical variation, residue mobility, and thermodynamic stability) indicates that this missense variant is expected to disrupt TRAPPC11 protein function with a positive predictive value of 80%. In summary, the available evidence is currently insufficient to determine the role of this variant in disease. Therefore, it has been classified as a Variant of Uncertain Significance.

Revvity Omics, Revvity
Classification: Uncertain significance for Autosomal recessive limb-girdle muscular dystrophy type R18. Last evaluated: 2023-01-23. Review status: criteria provided, single submitter. Criteria: ACMG Guidelines, 2015. Collection method: clinical testing. Allele origin: germline.

NM_021942.6(TRAPPC11):c.3221A>C (p.Gln1074Pro)

Gene: TRAPPC11 (trafficking protein particle complex subunit 11; plus strand). Cytogenetic location: 4q35.1.
Variant type: single nucleotide variant.
Coding change: c.3221A>C on transcript NM_021942.6 (MANE Select); coding-DNA position 3221, A replaced by C.
Protein change: p.Gln1074Pro; replaces glutamine 1074 with proline.
Molecular consequence: missense variant. On other transcripts: intron variant (1).
Genome position (GRCh38, 1-based): chr4:183,708,438, A>C. VCF-style: chr4-183708438-A-C. GRCh37 (hg19) VCF-style: chr4-184629591-A-C.
Other names: c.3199+22A>C (NM_199053.3); c.3221A>C (NM_021942.4); short protein forms Q1074P.
Identifiers: ClinVar variation 854418 (VCV000854418.11), dbSNP rs368699954, ClinGen allele CA3152485.